The following is an entry in ClinVar:

NM_181552.4(CUX1):c.1981C>T (p.Arg661Ter)

Gene: CUX1 (cut like homeobox 1; plus strand). Cytogenetic location: 7q22.1.
Variant type: single nucleotide variant.
Coding change: c.1981C>T on transcript NM_181552.4 (MANE Select); coding-DNA position 1981, C replaced by T.
Protein change: p.Arg661Ter; replaces arginine 661 with a stop codon.
Molecular consequence: nonsense. On other transcripts: intron variant (5).
Genome position (GRCh38, 1-based): chr7:102,200,091, C>T. VCF-style: chr7-102200091-C-T. GRCh37 (hg19) VCF-style: chr7-101843371-C-T.
Other names: c.2014C>T, p.Arg672Ter (NM_001202543.2); c.1255+4488C>T (NM_001913.5); c.1249+4488C>T (NM_181500.4); c.1117+4488C>T (NM_001202545.3); c.1207+4488C>T (NM_001202544.3); c.1138+4488C>T (NM_001202546.3); c.2014C>T (NM_001202543.1); short protein forms R661*, R672*.
Identifiers: ClinVar variation 1701695 (VCV001701695.2), dbSNP rs372708324, ClinGen allele CA4410948.

ClinVar aggregate classification (germline): Pathogenic/Likely pathogenic. Review status: criteria provided, multiple submitters, no conflicts (2 of 4 stars). 2 submissions from 2 submitters: Pathogenic (1); Likely pathogenic (1). Last evaluated 2025-06-04.

Conditions:
Global developmental delay with or without impaired intellectual development. Identifiers: MedGen C5193032, MONDO:0032680, OMIM 618330.

Allele frequency attached by ClinVar (database versions not stated): gnomAD exomes below 0.00001; ExAC 0.00001; ESP Exome Variant Server 0.00008.

Submissions (2):

GeneDx
Classification: Pathogenic. Last evaluated: 2025-06-04. Review status: criteria provided, single submitter. Criteria: GeneDx Variant Classification Process June 2021. Collection method: clinical testing. Allele origin: germline. Affected: yes.
Comment: Nonsense variant predicted to result in protein truncation or nonsense mediated decay in a gene for which loss of function is a known mechanism of disease; This variant is associated with the following publications: (PMID: 36993157, 34784413, 36563179)

New York Genome Center
Classification: Likely pathogenic for Global developmental delay with or without impaired intellectual development. Last evaluated: 2021-12-01. Review status: criteria provided, single submitter. Criteria: NYGC Assertion Criteria 2020. Collection method: clinical testing. Allele origin: de novo. Observed: 1 variant allele, 1 mosaic individual. Study: CSER-NYCKidSeq.
Comment: The de novo, mosaic c.1981C>T (p.Arg661Ter) variant identified in the CUX1 gene leads to the premature termination of the protein at amino acid 661/1506 (exon 17/24). This variant is absent from gnomAD(v3.1.2) suggesting it is not a common benign variant in the populations represented in that database. This variant is absent from ClinVar, although several frameshift and nonsense variants downstream of the one identified here have been reported as Pathogenic / Likely Pathogenic (VarIDs:618990, 618991, 618992, others). While this variant is absent from the literature, nonsense and frameshift variants downstream of the one identified here have been reported in affected individuals [PMID:30014507]. Given its deleterious nature and absence in population databases, the de novo c.1981C>T (p.Arg661Ter) variant identified in the CUX1 gene is reported as Likely Pathogenic.